The following is an entry in ClinVar:

ClinVar aggregate classification (germline): Conflicting classifications of pathogenicity. Review status: criteria provided, conflicting classifications (1 of 4 stars). 3 submissions from 3 submitters: Likely pathogenic (2); Uncertain significance (1). Last evaluated 2025-06-18.

Conditions:
Achromatopsia 2 (ACHM2). Also called: COLORBLINDNESS, TOTAL; ROD MONOCHROMACY 2; ROD MONOCHROMATISM 2. Identifiers: Orphanet 49382, MedGen C1857618, MONDO:0009003, OMIM 216900.

gnomAD v4.1: 2 of 1,613,864 alleles (0.00012%); highest among the groups gnomAD compares: Admixed American, 0.0033%; no homozygotes.

Submissions (3):

Women's Health and Genetics/Laboratory Corporation of America, LabCorp
Classification: Uncertain significance. Last evaluated: 2025-06-18. Review status: criteria provided, single submitter. Criteria: LabCorp Variant Classification Summary - May 2015. Collection method: clinical testing. Allele origin: germline.
Comment: Variant summary: CNGA3 c.1229G>T (p.Arg410Leu) results in a non-conservative amino acid change in the encoded protein sequence. Algorithms developed to predict the effect of missense changes on protein structure and function all suggest that this variant is likely to be disruptive. The variant allele was found at a frequency of 8e-06 in 250294 control chromosomes. c.1229G>T has been observed in individual(s) affected with cone-rod dystrophy (internal data). A different variant affecting the same codon has been classified as pathogenic by our lab (c.1228C>T, p.Arg410Trp), supporting the critical relevance of codon 410 to CNGA3 protein function. However, to our knowledge, no experimental evidence assessing the impact of the current variant on protein function has been reported. ClinVar contains an entry for this variant (Variation ID: 2126536). Based on the evidence outlined above, the variant was classified as VUS-possibly pathogenic.

Labcorp Genetics (formerly Invitae), Labcorp
Classification: Likely pathogenic. Last evaluated: 2024-06-02. Review status: criteria provided, single submitter. Criteria: Invitae Variant Classification Sherloc (09022015). Collection method: clinical testing. Allele origin: germline.
Comment: This sequence change replaces arginine, which is basic and polar, with leucine, which is neutral and non-polar, at codon 410 of the CNGA3 protein (p.Arg410Leu). This variant is present in population databases (rs373666055, gnomAD 0.006%). This missense change has been observed in individual(s) with cone-rod dystrophy (Invitae). ClinVar contains an entry for this variant (Variation ID: 2126536). Advanced modeling of protein sequence and biophysical properties (such as structural, functional, and spatial information, amino acid conservation, physicochemical variation, residue mobility, and thermodynamic stability) performed at Invitae indicates that this missense variant is expected to disrupt CNGA3 protein function with a positive predictive value of 95%. This variant disrupts the p.Arg410 amino acid residue in CNGA3. Other variant(s) that disrupt this residue have been determined to be pathogenic (PMID: 9662398, 11536077, 17693388, 25637600, 29099798, 30337596). This suggests that this residue is clinically significant, and that variants that disrupt this residue are likely to be disease-causing. In summary, the currently available evidence indicates that the variant is pathogenic, but additional data are needed to prove that conclusively. Therefore, this variant has been classified as Likely Pathogenic.

3billion
Classification: Likely pathogenic for Achromatopsia 2. Last evaluated: 2023-10-23. Review status: criteria provided, single submitter. Criteria: ACMG Guidelines, 2015. Collection method: clinical testing. Allele origin: germline. Affected: yes.
Comment: The variant is observed at an extremely low frequency in the gnomAD v2.1.1 dataset (total allele frequency: 0.001%). Predicted Consequence/Location: Missense variant In silico tool predictions suggest damaging effect of the variant on gene or gene product [REVEL: 0.85 (>=0.6, sensitivity 0.68 and specificity 0.92); 3Cnet: 0.97 (>=0.6, sensitivity 0.72 and precision 0.9)]. Same nucleotide change resulting in same amino acid change has been previously reported to be associated with CNGA3 related disorder (ClinVar ID: VCV002126536). A different missense change at the same codon (p.Arg410Trp) has been reported as pathogenic/likely pathogenic with strong evidence (ClinVar ID: VCV000009479 /PMID: 9662398). Therefore, this variant is classified as Likely pathogenic according to the recommendation of ACMG/AMP guideline.

Literature cited by the submitters: PubMed 9662398 (cited by Labcorp Genetics (formerly Invitae), Labcorp and 3billion); PubMed 11536077 (cited by Labcorp Genetics (formerly Invitae), Labcorp); PubMed 17693388 (cited by Labcorp Genetics (formerly Invitae), Labcorp); PubMed 25637600 (cited by Labcorp Genetics (formerly Invitae), Labcorp); PubMed 29099798 (cited by Labcorp Genetics (formerly Invitae), Labcorp); PubMed 30337596 (cited by Labcorp Genetics (formerly Invitae), Labcorp).

NM_001298.3(CNGA3):c.1229G>T (p.Arg410Leu)

Gene: CNGA3 (cyclic nucleotide gated channel subunit alpha 3; plus strand). Cytogenetic location: 2q11.2.
Variant type: single nucleotide variant.
Coding change: c.1229G>T on transcript NM_001298.3 (MANE Select); coding-DNA position 1229, G replaced by T.
Protein change: p.Arg410Leu; replaces arginine 410 with leucine.
Molecular consequence: missense variant.
Genome position (GRCh38, 1-based): chr2:98,396,399, G>T. VCF-style: chr2-98396399-G-T. GRCh37 (hg19) VCF-style: chr2-99012862-G-T.
Other names: c.1175G>T, p.Arg392Leu (NM_001079878.2); short protein forms R392L, R410L.
Identifiers: ClinVar variation 2126536 (VCV002126536.7), dbSNP rs373666055, ClinGen allele CA1793969.